The following is an entry in ClinVar:

ClinVar aggregate classification (germline): Likely benign. Review status: criteria provided, single submitter (1 of 4 stars). 2 submissions from 2 submitters: Likely benign (1). 1 of the submissions does not count toward it. Last evaluated 2025-08-20.

Conditions:
HPD-related disorder. Also called: HPD-related condition.
Tyrosinemia type III. Also called: 4-HYDROXYPHENYLPYRUVIC ACID OXIDASE DEFICIENCY; Tyrosinemia type 3; 4-alpha hydroxyphenylpyruvic acid oxidase deficiency; 4-alpha hydroxyphenylpyruvate dioxygenase deficiency; 4-Hydroxyphenylpyruvate dioxygenase deficiency. Identifiers: Orphanet 69723, MedGen C0268623, MONDO:0010162, OMIM 276710.
Hawkinsinuria. Identifiers: Orphanet 2118, MedGen C2931042, MONDO:0007700, OMIM 140350, HP:0034457.

Allele frequency attached by ClinVar (database versions not stated): TOPMed below 0.00001; gnomAD 0.00001; gnomAD exomes 0.00001; ExAC 0.00002.
gnomAD v4.1: 12 of 1,613,920 alleles (0.00074%); highest among the groups gnomAD compares: East Asian, 0.0022%; no homozygotes.

Submissions (2):

Labcorp Genetics (formerly Invitae), Labcorp
Classification: Likely benign for Tyrosinemia type III; Hawkinsinuria. Last evaluated: 2025-08-20. Review status: criteria provided, single submitter. Criteria: Invitae Variant Classification Sherloc (09022015). Collection method: clinical testing. Allele origin: germline.

PreventionGenetics, part of Exact Sciences
Classification: Likely benign for HPD-related condition. Last evaluated: 2019-07-26. Review status: no assertion criteria provided. Collection method: clinical testing. Allele origin: germline. Not counted in ClinVar's aggregate classification.
Comment: This variant is classified as likely benign based on ACMG/AMP sequence variant interpretation guidelines (Richards et al. 2015 PMID: 25741868, with internal and published modifications).

NM_002150.3(HPD):c.156C>T (p.Thr52=)

Genes: HPD (4-hydroxyphenylpyruvate dioxygenase; minus strand), TIALD (transcript inducer of AURKA lysosomal degradation; plus strand). Cytogenetic location: 12q24.31.
Variant type: single nucleotide variant.
Coding change: c.156C>T on transcript NM_002150.3 (MANE Select); coding-DNA position 156, C replaced by T.
Protein change: p.Thr52=; no amino-acid change (threonine 52 retained).
Molecular consequence: synonymous variant.
Genome position (GRCh38, 1-based): chr12:121,857,370, G>A on the plus strand (C>T on the coding strand, the complement: HPD is on the minus strand). VCF-style: chr12-121857370-G-A. GRCh37 (hg19) VCF-style: chr12-122295276-G-A.
Other names: c.39C>T, p.Thr13= (NM_001171993.2).
Identifiers: ClinVar variation 739986 (VCV000739986.9), dbSNP rs776140021, ClinGen allele CA6839801.